The following is an entry in ClinVar:

ClinVar aggregate classification (germline): Uncertain significance (1 of 4 stars; one submission).

Conditions:
Inborn genetic diseases. Identifiers: MedGen C0950123, MeSH D030342.

Submission:

Ambry Genetics
Classification: Uncertain significance for Inborn genetic diseases. Last evaluated: 2022-12-25. Review status: criteria provided, single submitter. Criteria: Ambry Variant Classification Scheme 2023. Collection method: clinical testing. Allele origin: germline.
Comment: The p.P475A variant (also known as c.1423C>G), located in coding exon 15 of the ERCC2 gene, results from a C to G substitution at nucleotide position 1423. The proline at codon 475 is replaced by alanine, an amino acid with highly similar properties. This amino acid position is conserved. In addition, the in silico prediction for this alteration is inconclusive. Since supporting evidence is limited at this time, the clinical significance of this alteration remains unclear.

NM_000400.4(ERCC2):c.1423C>G (p.Pro475Ala)

Gene: ERCC2 (ERCC excision repair 2, TFIIH core complex helicase subunit; minus strand). Cytogenetic location: 19q13.32.
Variant type: single nucleotide variant.
Coding change: c.1423C>G on transcript NM_000400.4 (MANE Select); coding-DNA position 1423, C replaced by G.
Protein change: p.Pro475Ala; replaces proline 475 with alanine.
Molecular consequence: missense variant.
Genome position (GRCh38, 1-based): chr19:45,357,326, G>C on the plus strand (C>G on the coding strand, the complement: ERCC2 is on the minus strand). VCF-style: chr19-45357326-G-C. GRCh37 (hg19) VCF-style: chr19-45860584-G-C.
Other names: short protein forms P475A.
Identifiers: ClinVar variation 3231639 (VCV003231639.1), dbSNP rs779588231, ClinGen allele CA406367128.